The following is an entry in ClinVar:

NM_015122.3(FCHO1):c.886C>T (p.Arg296Trp)

Gene: FCHO1 (FCH and mu domain containing endocytic adaptor 1; plus strand). Cytogenetic location: 19p13.11.
Variant type: single nucleotide variant.
Coding change: c.886C>T on transcript NM_015122.3 (MANE Select); coding-DNA position 886, C replaced by T.
Protein change: p.Arg296Trp; replaces arginine 296 with tryptophan.
Molecular consequence: missense variant. On other transcripts: non-coding transcript variant (36).
Genome position (GRCh38, 1-based): chr19:17,774,444, C>T. VCF-style: chr19-17774444-C-T. GRCh37 (hg19) VCF-style: chr19-17885253-C-T.
Other names: c.886C>T, p.Arg296Trp (NM_001161357.2, NM_001161358.2, NM_001384370.1 and 25 more transcripts); c.736C>T, p.Arg246Trp (NM_001161359.2, NM_001384384.1, NM_001384385.1 and 3 more transcripts); c.847C>T, p.Arg283Trp (NM_001384388.1, NM_001384389.1, NM_001384405.1); c.811C>T, p.Arg271Trp (NM_001384390.1); c.841C>T, p.Arg281Trp (NM_001384403.1); short protein forms R281W, R246W, R283W, R296W, R271W.
Identifiers: ClinVar variation 1483812 (VCV001483812.4), dbSNP rs764148944, ClinGen allele CA9300279.

ClinVar aggregate classification (germline): Uncertain significance (1 of 4 stars; one submission).

Allele frequency attached by ClinVar (database versions not stated): TOPMed 0.00008; gnomAD 0.00014.
gnomAD v4.1: 42 of 1,613,564 alleles (0.0026%); highest among the groups gnomAD compares: African/African-American, 0.032%; no homozygotes.

Submission:

Labcorp Genetics (formerly Invitae), Labcorp
Classification: Uncertain significance. Last evaluated: 2025-11-30. Review status: criteria provided, single submitter. Criteria: Invitae Variant Classification Sherloc (09022015). Collection method: clinical testing. Allele origin: germline.
Comment: This sequence change replaces arginine, which is basic and polar, with tryptophan, which is neutral and slightly polar, at codon 296 of the FCHO1 protein (p.Arg296Trp). This variant is present in population databases (rs764148944, gnomAD 0.04%). This variant has not been reported in the literature in individuals affected with FCHO1-related conditions. ClinVar contains an entry for this variant (Variation ID: 1483812). An algorithm developed to predict the effect of missense changes on protein structure and function (PolyPhen-2) suggests that this variant is likely to be tolerated. In summary, the available evidence is currently insufficient to determine the role of this variant in disease. Therefore, it has been classified as a Variant of Uncertain Significance.